The following is an entry in ClinVar:

NM_004706.4(ARHGEF1):c.1363G>A (p.Glu455Lys)

Gene: ARHGEF1 (Rho guanine nucleotide exchange factor 1; plus strand). Cytogenetic location: 19q13.2.
Variant type: single nucleotide variant.
Coding change: c.1363G>A on transcript NM_004706.4 (MANE Select); coding-DNA position 1363, G replaced by A.
Protein change: p.Glu455Lys; replaces glutamic acid 455 with lysine.
Molecular consequence: missense variant. On other transcripts: non-coding transcript variant (2).
Genome position (GRCh38, 1-based): chr19:41,901,982, G>A. VCF-style: chr19-41901982-G-A. GRCh37 (hg19) VCF-style: chr19-42406132-G-A.
Other names: c.1531G>A, p.Glu511Lys (NM_001396000.1); c.1264G>A, p.Glu422Lys (NM_001396002.1, NM_001396004.1, NM_198977.2); c.1363G>A, p.Glu455Lys (NM_001396003.1, NM_001396006.1); c.1408G>A, p.Glu470Lys (NM_199002.2); c.1408G>A (NM_199002.1); short protein forms E422K, E455K, E470K, E511K.
Identifiers: ClinVar variation 2181931 (VCV002181931.5), dbSNP rs782747123, ClinGen allele CA9466341.
Genomic context (GRCh38, chr19:41,901,982, plus strand): 5'-CTGCGGGTGCTGCACGACCTCTTCTTCCAGCCCATGGCAGAATGCCTGTTCTTCCCCTTG[G>A]AGGAGCTGCAGAACATCTTCCCCAGCCTGGACGAGCTCATCGAGGTGCATTGTGAGTGCA-3'
Protein context (NP_004697.2, residues 445-465): PMAECLFFPL[Glu455Lys]ELQNIFPSLD

ClinVar aggregate classification (germline): Uncertain significance. Review status: criteria provided, multiple submitters, no conflicts (2 of 4 stars). 2 submissions from 2 submitters: Uncertain significance (2). Last evaluated 2026-01-27.

Allele frequency attached by ClinVar (database versions not stated): gnomAD 0.00001; gnomAD exomes 0.00001; ExAC 0.00003.
gnomAD v4.1: 12 of 1,613,962 alleles (0.00074%); highest among the groups gnomAD compares: Admixed American, 0.018%; no homozygotes.

Submissions (2):

Labcorp Genetics (formerly Invitae), Labcorp
Classification: Uncertain significance. Last evaluated: 2026-01-27. Review status: criteria provided, single submitter. Criteria: Invitae Variant Classification Sherloc (09022015). Collection method: clinical testing. Allele origin: germline.
Comment: This sequence change replaces glutamic acid, which is acidic and polar, with lysine, which is basic and polar, at codon 470 of the ARHGEF1 protein (p.Glu470Lys). This variant is present in population databases (rs782747123, gnomAD 0.03%). This variant has not been reported in the literature in individuals affected with ARHGEF1-related conditions. ClinVar contains an entry for this variant (Variation ID: 2181931). An algorithm developed to predict the effect of missense changes on protein structure and function (PolyPhen-2) suggests that this variant is likely to be tolerated. In summary, the available evidence is currently insufficient to determine the role of this variant in disease. Therefore, it has been classified as a Variant of Uncertain Significance.

Ambry Genetics
Classification: Uncertain significance. Last evaluated: 2025-07-13. Review status: criteria provided, single submitter. Criteria: Ambry Variant Classification Scheme 2023. Collection method: clinical testing. Allele origin: germline.